The following is an entry in ClinVar:

ClinVar aggregate classification (germline): Uncertain significance (1 of 4 stars; one submission).

Submission:

Women's Health and Genetics/Laboratory Corporation of America, LabCorp
Classification: Uncertain significance. Last evaluated: 2023-06-07. Review status: criteria provided, single submitter. Criteria: LabCorp Variant Classification Summary - May 2015. Collection method: clinical testing. Allele origin: germline.
Comment: Variant summary: COL11A1 c.106+8A>G alters a non-conserved nucleotide located close to a canonical splice site and therefore could affect mRNA splicing, leading to a significantly altered protein sequence. 4/4 computational tools predict no significant impact on normal splicing. However, these predictions have yet to be confirmed by functional studies. The variant was absent in 249894 control chromosomes (gnomAD). The available data on variant occurrences in the general population are insufficient to allow any conclusion about variant significance. To our knowledge, no occurrence of c.106+8A>G in individuals affected with Stickler Syndrome and no experimental evidence demonstrating its impact on protein function have been reported. No clinical diagnostic laboratories have submitted clinical-significance assessments for this variant to ClinVar after 2014. Based on the evidence outlined above, the variant was classified as uncertain significance.

NM_001854.4(COL11A1):c.106+8A>G

Gene: COL11A1 (collagen type XI alpha 1 chain; minus strand). Cytogenetic location: 1p21.1.
Variant type: single nucleotide variant.
Coding change: c.106+8A>G on transcript NM_001854.4 (MANE Select); 8 bases into the intron after coding-DNA position 106, A replaced by G.
Molecular consequence: intron variant.
Genome position (GRCh38, 1-based): chr1:103,108,065, T>C on the plus strand (A>G on the coding strand, the complement: COL11A1 is on the minus strand). VCF-style: chr1-103108065-T-C. GRCh37 (hg19) VCF-style: chr1-103573621-T-C.
Other names: c.106+8A>G (NM_001190709.2, NM_080629.3, NM_080630.4).
Identifiers: ClinVar variation 2573478 (VCV002573478.1), dbSNP rs2526512051, ClinGen allele CA2580612932.